The following is an entry in ClinVar:

NM_013254.4(TBK1):c.964C>T (p.His322Tyr)

Gene: TBK1 (TANK binding kinase 1; plus strand). Cytogenetic location: 12q14.2.
Variant type: single nucleotide variant.
Coding change: c.964C>T on transcript NM_013254.4 (MANE Select); coding-DNA position 964, C replaced by T.
Protein change: p.His322Tyr; replaces histidine 322 with tyrosine.
Molecular consequence: missense variant.
Genome position (GRCh38, 1-based): chr12:64,481,993, C>T. VCF-style: chr12-64481993-C-T. GRCh37 (hg19) VCF-style: chr12-64875773-C-T.
Other names: c.964C>T, p.His322Tyr (LRG_1306t1); short protein forms H322Y.
Identifiers: ClinVar variation 252679 (VCV000252679.15), dbSNP rs145905497, ClinGen allele CA6668932.

ClinVar aggregate classification (germline): Conflicting classifications of pathogenicity. Review status: criteria provided, conflicting classifications (1 of 4 stars). 3 submissions from 3 submitters: Uncertain significance (1); Likely benign (1). 1 of the submissions does not count toward it. Last evaluated 2026-01-26.

Conditions:
TBK1-related disorder. Also called: TBK1-related condition.
Frontotemporal dementia and/or amyotrophic lateral sclerosis 4. Also called: FTDALS4. Identifiers: Orphanet 275872, MedGen C4225325, MONDO:0014641, OMIM 616439.

Allele frequency attached by ClinVar (database versions not stated): TOPMed 0.00024; gnomAD 0.00033 and 0.00034; gnomAD exomes 0.00039 and 0.00046; ExAC 0.00052; ESP Exome Variant Server 0.00054; 1000 Genomes Project 30x 0.00078; 1000 Genomes Project 0.00080.
gnomAD v4.1: 636 of 1,599,724 alleles (0.04%); highest among the groups gnomAD compares: South Asian, 0.22%; 2 homozygotes.

Submissions (3):

Labcorp Genetics (formerly Invitae), Labcorp
Classification: Likely benign for Frontotemporal dementia and/or amyotrophic lateral sclerosis 4. Last evaluated: 2026-01-26. Review status: criteria provided, single submitter. Criteria: Invitae Variant Classification Sherloc (09022015). Collection method: clinical testing. Allele origin: germline.

Genomic Diagnostic Laboratory, Division of Genomic Diagnostics, Children's Hospital of Philadelphia
Classification: Uncertain significance. Last evaluated: 2015-07-30. Review status: criteria provided, single submitter. Criteria: DGD Variant Analysis Guidelines. Collection method: clinical testing. Allele origin: unknown.

PreventionGenetics, part of Exact Sciences
Classification: Likely benign for TBK1-related condition. Last evaluated: 2019-09-25. Review status: no assertion criteria provided. Collection method: clinical testing. Allele origin: germline. Not counted in ClinVar's aggregate classification.
Comment: This variant is classified as likely benign based on ACMG/AMP sequence variant interpretation guidelines (Richards et al. 2015 PMID: 25741868, with internal and published modifications).